The following is an entry in ClinVar:

ClinVar aggregate classification (germline): Uncertain significance (1 of 4 stars; one submission).

Submission:

Dasa
Classification: Uncertain significance. Last evaluated: 2025-11-02. Review status: criteria provided, single submitter. Criteria: DASA Assertion Criteria. Collection method: clinical testing. Allele origin: germline.
Comment: NM_001349999.2(RBFOX2):c.373G>A (p.Gly125Ser) is a missense variant that results in the substitution of glycine with serine. This variant is rare in population databases. The currently available literature and clinical evidence are not sufficient to establish a definitive association between this variant and the reported condition. Therefore, this variant is classified as a variant of uncertain significance.

NM_001349999.2(RBFOX2):c.373G>A (p.Gly125Ser)

Gene: RBFOX2 (RNA binding fox-1 homolog 2; minus strand). Cytogenetic location: 22q12.3.
Variant type: single nucleotide variant.
Coding change: c.373G>A on transcript NM_001349999.2 (MANE Select); coding-DNA position 373, G replaced by A.
Protein change: p.Gly125Ser; replaces glycine 125 with serine.
Molecular consequence: missense variant.
Genome position (GRCh38, 1-based): chr22:35,809,869, C>T on the plus strand (G>A on the coding strand, the complement: RBFOX2 is on the minus strand). VCF-style: chr22-35809869-C-T. GRCh37 (hg19) VCF-style: chr22-36205916-C-T.
Other names: c.229G>A, p.Gly77Ser (NM_001349982.2, NM_001349989.2, NM_001349990.2 and 5 more transcripts); c.163G>A, p.Gly55Ser (NM_001349983.2, NM_001031695.4, NM_001082576.3 and 4 more transcripts); c.373G>A, p.Gly125Ser (NM_001082578.4, NM_001082579.3, NM_001394115.1 and 7 more transcripts); short protein forms G125S, G55S, G77S.
Identifiers: ClinVar variation 5020811 (VCV005020811.1).